The following is an entry in ClinVar:

ClinVar aggregate classification (germline): Uncertain significance. Review status: criteria provided, multiple submitters, no conflicts (2 of 4 stars). 2 submissions from 2 submitters: Uncertain significance (2). Last evaluated 2024-12-20.

Conditions:
Inborn genetic diseases. Identifiers: MedGen C0950123, MeSH D030342.

Submissions (2):

Ambry Genetics
Classification: Uncertain significance for Inborn genetic diseases. Last evaluated: 2024-12-20. Review status: criteria provided, single submitter. Criteria: Ambry Variant Classification Scheme 2023. Collection method: clinical testing. Allele origin: germline.
Comment: The p.R1002S variant (also known as c.3006A>T), located in coding exon 1 of the SAMD9L gene, results from an A to T substitution at nucleotide position 3006. The arginine at codon 1002 is replaced by serine, an amino acid with dissimilar properties. This amino acid position is conserved. In addition, this alteration is predicted to be tolerated by in silico analysis. Based on the available evidence, the clinical significance of this variant remains unclear.

Labcorp Genetics (formerly Invitae), Labcorp
Classification: Uncertain significance. Last evaluated: 2022-12-04. Review status: criteria provided, single submitter. Criteria: Invitae Variant Classification Sherloc (09022015). Collection method: clinical testing. Allele origin: germline.
Comment: In summary, the available evidence is currently insufficient to determine the role of this variant in disease. Therefore, it has been classified as a Variant of Uncertain Significance. Advanced modeling of protein sequence and biophysical properties (such as structural, functional, and spatial information, amino acid conservation, physicochemical variation, residue mobility, and thermodynamic stability) performed at Invitae indicates that this missense variant is not expected to disrupt SAMD9L protein function. This variant has not been reported in the literature in individuals affected with SAMD9L-related conditions. This variant is not present in population databases (gnomAD no frequency). This sequence change replaces arginine, which is basic and polar, with serine, which is neutral and polar, at codon 1002 of the SAMD9L protein (p.Arg1002Ser).

NM_152703.5(SAMD9L):c.3006A>T (p.Arg1002Ser)

Gene: SAMD9L (sterile alpha motif domain containing 9 like; minus strand). Cytogenetic location: 7q21.2.
Variant type: single nucleotide variant.
Coding change: c.3006A>T on transcript NM_152703.5 (MANE Select); coding-DNA position 3006, A replaced by T.
Protein change: p.Arg1002Ser; replaces arginine 1002 with serine.
Molecular consequence: missense variant.
Genome position (GRCh38, 1-based): chr7:93,132,966, T>A on the plus strand (A>T on the coding strand, the complement: SAMD9L is on the minus strand). VCF-style: chr7-93132966-T-A. GRCh37 (hg19) VCF-style: chr7-92762279-T-A.
Other names: c.3006A>T, p.Arg1002Ser (NM_001303496.3, NM_001303497.3, NM_001303498.3 and 5 more transcripts); c.3006A>T (NM_152703.2); short protein forms R1002S.
Identifiers: ClinVar variation 2988966 (VCV002988966.4), dbSNP rs1244638168, ClinGen allele CA368185674.